The following is an entry in ClinVar:

NM_001005373.4(LRSAM1):c.484A>T (p.Ile162Phe)

Gene: LRSAM1 (leucine rich repeat and sterile alpha motif containing 1; plus strand). Cytogenetic location: 9q33.3.
Variant type: single nucleotide variant.
Coding change: c.484A>T on transcript NM_001005373.4 (MANE Select); coding-DNA position 484, A replaced by T.
Protein change: p.Ile162Phe; replaces isoleucine 162 with phenylalanine.
Molecular consequence: missense variant. On other transcripts: 5 prime UTR variant (1), non-coding transcript variant (2).
Genome position (GRCh38, 1-based): chr9:127,462,329, A>T. VCF-style: chr9-127462329-A-T. GRCh37 (hg19) VCF-style: chr9-130224608-A-T.
Other names: c.484A>T, p.Ile162Phe (NM_001005374.4, NM_001190723.3, NM_001384142.1 and 2 more transcripts); c.-301A>T (NM_001384144.1); short protein forms I162F.
Identifiers: ClinVar variation 2197909 (VCV002197909.4), dbSNP rs1039329590, ClinGen allele CA374928069.

ClinVar aggregate classification (germline): Uncertain significance (1 of 4 stars; one submission).

Conditions:
Charcot-Marie-Tooth disease axonal type 2P. Also called: CHARCOT-MARIE-TOOTH DISEASE, AXONAL, TYPE 2G; CMT 2G; CHARCOT-MARIE-TOOTH NEUROPATHY, TYPE 2P; Charcot-Marie-Tooth Neuropathy Type 2G. Identifiers: Orphanet 300319, Orphanet 99941, MedGen C3280797, MONDO:0013753, OMIM 614436.

gnomAD v4.1: 3 of 1,614,086 alleles (0.00019%); highest among the groups gnomAD compares: Non-Finnish European, 0.00025%; no homozygotes.

Submission:

Labcorp Genetics (formerly Invitae), Labcorp
Classification: Uncertain significance for Charcot-Marie-Tooth disease axonal type 2P. Last evaluated: 2022-09-07. Review status: criteria provided, single submitter. Criteria: Invitae Variant Classification Sherloc (09022015). Collection method: clinical testing. Allele origin: germline.
Comment: This variant has not been reported in the literature in individuals affected with LRSAM1-related conditions. This variant is present in population databases (no rsID available, gnomAD 0.0009%). This sequence change replaces isoleucine, which is neutral and non-polar, with phenylalanine, which is neutral and non-polar, at codon 162 of the LRSAM1 protein (p.Ile162Phe). Algorithms developed to predict the effect of missense changes on protein structure and function are either unavailable or do not agree on the potential impact of this missense change (SIFT: "Deleterious"; PolyPhen-2: "Benign"; Align-GVGD: "Class C0"). In summary, the available evidence is currently insufficient to determine the role of this variant in disease. Therefore, it has been classified as a Variant of Uncertain Significance.